The following is an entry in ClinVar:

ClinVar aggregate classification (germline): Benign. Review status: criteria provided, multiple submitters, no conflicts (2 of 4 stars). 4 submissions from 4 submitters: Benign (4). Last evaluated 2026-02-04.

Conditions:
Charcot-Marie-Tooth disease recessive intermediate C. Also called: CHARCOT-MARIE-TOOTH NEUROPATHY, RECESSIVE INTERMEDIATE C. Identifiers: Orphanet 369867, MedGen C3809309, MONDO:0014154, OMIM 615376.
Neuronopathy, distal hereditary motor, autosomal recessive 4. Also called: Autosomal recessive lower motor neuron disease with childhood onset; NEUROPATHY, DISTAL HEREDITARY MOTOR, AUTOSOMAL RECESSIVE 4. Identifiers: Orphanet 206580, MedGen C1970211, MONDO:0012608, OMIM 611067.

Allele frequency attached by ClinVar (database versions not stated): gnomAD exomes 0.07326; ExAC 0.07756; 1000 Genomes Project 0.09904; 1000 Genomes Project 30x 0.10056; gnomAD 0.10881 and 0.11198; TOPMed 0.10997; ESP Exome Variant Server 0.11312.
gnomAD v4.1: 121,929 of 1,610,800 alleles (7.6%); highest among the groups gnomAD compares: African/African-American, 21%; 5,658 homozygotes.

Submissions (30):

Labcorp Genetics (formerly Invitae), Labcorp
Classification: Benign for Neuronopathy, distal hereditary motor, autosomal recessive 4; Charcot-Marie-Tooth disease recessive intermediate C. Last evaluated: 2026-02-04. Review status: criteria provided, single submitter. Criteria: Invitae Variant Classification Sherloc (09022015). Collection method: clinical testing. Allele origin: germline.

Illumina Laboratory Services, Illumina
Classification: Benign for Neuronopathy, distal hereditary motor, autosomal recessive 4. Last evaluated: 2018-01-13. Review status: criteria provided, single submitter. Criteria: ICSL Variant Classification Criteria 13 December 2019. Collection method: clinical testing. Allele origin: germline.
Comment: This variant was observed in the ICSL laboratory as part of a predisposition screen in an ostensibly healthy population. It had not been previously curated by ICSL or reported in the Human Gene Mutation Database (HGMD: prior to June 1st, 2018), and was therefore a candidate for classification through an automated scoring system. Utilizing variant allele frequency, disease prevalence and penetrance estimates, and inheritance mode, an automated score was calculated to assess if this variant is too frequent to cause the disease. Based on the score and internal cut-off values, a variant classified as benign is not then subjected to further curation. The score for this variant resulted in a classification of benign for this disease.

GeneDx
Classification: Benign. Last evaluated: 2015-03-03. Review status: criteria provided, single submitter. Criteria: GeneDx Variant Classification Process June 2021. Collection method: clinical testing. Allele origin: germline. Affected: yes.

Breakthrough Genomics
Classification: Benign. Review status: criteria provided, single submitter. Criteria: ACMG Guidelines, 2015. Collection method: not provided. Allele origin: germline. Inheritance: Autosomal recessive inheritance. Affected: yes.

Dr. Peter K. Rogan Lab, Western University
No classification provided (evidence only). Condition: Acute myeloid leukemia. Review status: no classification provided. Collection method: in vitro. Allele origin: not applicable. Functional consequence: retained intron. Not counted in ClinVar's aggregate classification.

Dr. Peter K. Rogan Lab, Western University
No classification provided (evidence only). Condition: Acute myeloid leukemia. Review status: no classification provided. Collection method: in vitro. Allele origin: not applicable. Functional consequence: retained intron. Not counted in ClinVar's aggregate classification.

Dr. Peter K. Rogan Lab, Western University
No classification provided (evidence only). Condition: Thymoma. Review status: no classification provided. Collection method: in vitro. Allele origin: not applicable. Functional consequence: retained intron. Not counted in ClinVar's aggregate classification.

Dr. Peter K. Rogan Lab, Western University
No classification provided (evidence only). Condition: Thymoma. Review status: no classification provided. Collection method: in vitro. Allele origin: not applicable. Functional consequence: retained intron. Not counted in ClinVar's aggregate classification.

Dr. Peter K. Rogan Lab, Western University
No classification provided (evidence only). Condition: Uterine carcinosarcoma. Review status: no classification provided. Collection method: in vitro. Allele origin: not applicable. Functional consequence: retained intron. Not counted in ClinVar's aggregate classification.

Dr. Peter K. Rogan Lab, Western University
No classification provided (evidence only). Condition: Uterine carcinosarcoma. Review status: no classification provided. Collection method: in vitro. Allele origin: not applicable. Functional consequence: retained intron. Not counted in ClinVar's aggregate classification.

Dr. Peter K. Rogan Lab, Western University
No classification provided (evidence only). Condition: Malignant tumor of esophagus. Review status: no classification provided. Collection method: in vitro. Allele origin: not applicable. Functional consequence: retained intron. Not counted in ClinVar's aggregate classification.

Dr. Peter K. Rogan Lab, Western University
No classification provided (evidence only). Condition: Malignant tumor of esophagus. Review status: no classification provided. Collection method: in vitro. Allele origin: not applicable. Functional consequence: retained intron. Not counted in ClinVar's aggregate classification.

Dr. Peter K. Rogan Lab, Western University
No classification provided (evidence only). Condition: Malignant tumor of esophagus. Review status: no classification provided. Collection method: in vitro. Allele origin: not applicable. Functional consequence: retained intron. Not counted in ClinVar's aggregate classification.

Dr. Peter K. Rogan Lab, Western University
No classification provided (evidence only). Condition: Malignant tumor of esophagus. Review status: no classification provided. Collection method: in vitro. Allele origin: not applicable. Functional consequence: retained intron. Not counted in ClinVar's aggregate classification.

Dr. Peter K. Rogan Lab, Western University
No classification provided (evidence only). Condition: Malignant tumor of esophagus. Review status: no classification provided. Collection method: in vitro. Allele origin: not applicable. Functional consequence: retained intron. Not counted in ClinVar's aggregate classification.

Dr. Peter K. Rogan Lab, Western University
No classification provided (evidence only). Condition: Malignant tumor of esophagus. Review status: no classification provided. Collection method: in vitro. Allele origin: not applicable. Functional consequence: retained intron. Not counted in ClinVar's aggregate classification.

Dr. Peter K. Rogan Lab, Western University
No classification provided (evidence only). Condition: Malignant tumor of esophagus. Review status: no classification provided. Collection method: in vitro. Allele origin: not applicable. Functional consequence: retained intron. Not counted in ClinVar's aggregate classification.

Dr. Peter K. Rogan Lab, Western University
No classification provided (evidence only). Condition: Nonpapillary renal cell carcinoma. Review status: no classification provided. Collection method: in vitro. Allele origin: not applicable. Functional consequence: retained intron. Not counted in ClinVar's aggregate classification.

Dr. Peter K. Rogan Lab, Western University
No classification provided (evidence only). Condition: Nonpapillary renal cell carcinoma. Review status: no classification provided. Collection method: in vitro. Allele origin: not applicable. Functional consequence: retained intron. Not counted in ClinVar's aggregate classification.

Dr. Peter K. Rogan Lab, Western University
No classification provided (evidence only). Condition: Familial pancreatic carcinoma. Review status: no classification provided. Collection method: in vitro. Allele origin: not applicable. Functional consequence: retained intron. Not counted in ClinVar's aggregate classification.

Dr. Peter K. Rogan Lab, Western University
No classification provided (evidence only). Condition: Familial pancreatic carcinoma. Review status: no classification provided. Collection method: in vitro. Allele origin: not applicable. Functional consequence: retained intron. Not counted in ClinVar's aggregate classification.

Dr. Peter K. Rogan Lab, Western University
No classification provided (evidence only). Condition: Familial pancreatic carcinoma. Review status: no classification provided. Collection method: in vitro. Allele origin: not applicable. Functional consequence: retained intron. Not counted in ClinVar's aggregate classification.

Dr. Peter K. Rogan Lab, Western University
No classification provided (evidence only). Condition: Familial pancreatic carcinoma. Review status: no classification provided. Collection method: in vitro. Allele origin: not applicable. Functional consequence: retained intron. Not counted in ClinVar's aggregate classification.

Dr. Peter K. Rogan Lab, Western University
No classification provided (evidence only). Condition: Familial pancreatic carcinoma. Review status: no classification provided. Collection method: in vitro. Allele origin: not applicable. Functional consequence: retained intron. Not counted in ClinVar's aggregate classification.

Dr. Peter K. Rogan Lab, Western University
No classification provided (evidence only). Condition: Familial pancreatic carcinoma. Review status: no classification provided. Collection method: in vitro. Allele origin: not applicable. Functional consequence: retained intron. Not counted in ClinVar's aggregate classification.

Dr. Peter K. Rogan Lab, Western University
No classification provided (evidence only). Condition: Lymphoma. Review status: no classification provided. Collection method: in vitro. Allele origin: not applicable. Functional consequence: retained intron. Not counted in ClinVar's aggregate classification.

Dr. Peter K. Rogan Lab, Western University
No classification provided (evidence only). Condition: Lymphoma. Review status: no classification provided. Collection method: in vitro. Allele origin: not applicable. Functional consequence: retained intron. Not counted in ClinVar's aggregate classification.

Dr. Peter K. Rogan Lab, Western University
No classification provided (evidence only). Condition: Ovarian cancer. Review status: no classification provided. Collection method: in vitro. Allele origin: not applicable. Functional consequence: retained intron. Not counted in ClinVar's aggregate classification.

Dr. Peter K. Rogan Lab, Western University
No classification provided (evidence only). Condition: Ovarian cancer. Review status: no classification provided. Collection method: in vitro. Allele origin: not applicable. Functional consequence: retained intron. Not counted in ClinVar's aggregate classification.

Dr. Peter K. Rogan Lab, Western University
No classification provided (evidence only). Condition: Ovarian cancer. Review status: no classification provided. Collection method: in vitro. Allele origin: not applicable. Functional consequence: retained intron. Not counted in ClinVar's aggregate classification.

NM_020631.6(PLEKHG5):c.1801-12C>A

Gene: PLEKHG5 (pleckstrin homology and RhoGEF domain containing G5; minus strand). Cytogenetic location: 1p36.31.
Variant type: single nucleotide variant.
Coding change: c.1801-12C>A on transcript NM_020631.6 (MANE Select); 12 bases into the intron before coding-DNA position 1801, C replaced by A.
Molecular consequence: intron variant.
Genome position (GRCh38, 1-based): chr1:6,469,688, G>T on the plus strand (C>A on the coding strand, the complement: PLEKHG5 is on the minus strand). VCF-style: chr1-6469688-G-T. GRCh37 (hg19) VCF-style: chr1-6529748-G-T.
Other names: c.1801-12C>A (NM_198681.4, NM_001265594.3, NM_001042664.2 and 1 more transcripts); c.1912-12C>A (NM_001042663.3, NM_001265592.2); c.2008-12C>A (NM_001265593.2).
Identifiers: ClinVar variation 297954 (VCV000297954.17), dbSNP rs943584, ClinGen allele CA561338.